The following is an entry in ClinVar:

ClinVar aggregate classification (germline): Uncertain significance (1 of 4 stars; one submission).

gnomAD v4.1: 2 of 1,607,552 alleles (0.00012%); highest among the groups gnomAD compares: Non-Finnish European, 0.00017%; no homozygotes.

Submission:

Women's Health and Genetics/Laboratory Corporation of America, LabCorp
Classification: Uncertain significance. Last evaluated: 2026-03-19. Review status: criteria provided, single submitter. Criteria: LabCorp Variant Classification Summary - May 2015. Collection method: clinical testing. Allele origin: germline.
Comment: Variant summary: PPP2R5D c.-6G>A is located in the untranslated mRNA region upstream of the initiation codon. The variant allele was found at a frequency of 4.2e-06 in 235536 control chromosomes. The available data on variant occurrences in the general population are insufficient to allow any conclusion about variant significance. To our knowledge, no occurrence of c.-6G>A in individuals affected with PPP2R5D-related conditions and no experimental evidence demonstrating its impact on protein function have been reported. No submitters have cited clinical-significance assessments for this variant to ClinVar. Based on the evidence outlined above, the variant was classified as uncertain significance.

NM_006245.4(PPP2R5D):c.-6G>A

Genes: PPP2R5D (protein phosphatase 2 regulatory subunit B'delta; plus strand), LOC129996483 (ATAC-STARR-seq lymphoblastoid silent region 17211; plus strand). Cytogenetic location: 6p21.1.
Variant type: single nucleotide variant.
Coding change: c.-6G>A on transcript NM_006245.4 (MANE Select); 6 bases upstream of the start codon, G replaced by A.
Molecular consequence: 5 prime UTR variant.
Genome position (GRCh38, 1-based): chr6:42,984,672, G>A. VCF-style: chr6-42984672-G-A. GRCh37 (hg19) VCF-style: chr6-42952410-G-A.
Other names: c.-476G>A (NM_001270476.2); c.-6G>A (NM_180976.3, NM_180977.3).
Identifiers: ClinVar variation 4847082 (VCV004847082.1).
Genomic context (GRCh38, chr6:42,984,672, plus strand): 5'-TGCGGCCGAGCAAAGCCGGAGCCGGAGCGGGGCCGCAGGAGACGGGCCGGGTCCGGACGG[G>A]CCGAGATGCCCTATAAACTGAAAAAGGAGAAGGTGAGCGTGGCCCTTTTTCCCCCACCGC-3'